The following is an entry in ClinVar:

NM_001457.4(FLNB):c.3227C>T (p.Thr1076Met)

Gene: FLNB (filamin B; plus strand). Cytogenetic location: 3p14.3.
Variant type: single nucleotide variant.
Coding change: c.3227C>T on transcript NM_001457.4 (MANE Select); coding-DNA position 3227, C replaced by T.
Protein change: p.Thr1076Met; replaces threonine 1076 with methionine.
Molecular consequence: missense variant.
Genome position (GRCh38, 1-based): chr3:58,123,193, C>T. VCF-style: chr3-58123193-C-T. GRCh37 (hg19) VCF-style: chr3-58108920-C-T.
Other names: c.3227C>T, p.Thr1076Met (NM_001164317.2, NM_001164318.2, NM_001164319.2); short protein forms T1076M.
Identifiers: ClinVar variation 3618552 (VCV003618552.2).

ClinVar aggregate classification (germline): Uncertain significance (1 of 4 stars; one submission).

gnomAD v4.1: 6 of 1,613,762 alleles (0.00037%); highest among the groups gnomAD compares: Admixed American, 0.0017%; no homozygotes.

Submission:

Labcorp Genetics (formerly Invitae), Labcorp
Classification: Uncertain significance. Last evaluated: 2025-07-20. Review status: criteria provided, single submitter. Criteria: Invitae Variant Classification Sherloc (09022015). Collection method: clinical testing. Allele origin: germline.
Comment: This sequence change replaces threonine, which is neutral and polar, with methionine, which is neutral and non-polar, at codon 1076 of the FLNB protein (p.Thr1076Met). This variant is present in population databases (rs774134111, gnomAD 0.003%). This variant has not been reported in the literature in individuals affected with FLNB-related conditions. ClinVar contains an entry for this variant (Variation ID: 3618552). Invitae Evidence Modeling of protein sequence and biophysical properties (such as structural, functional, and spatial information, amino acid conservation, physicochemical variation, residue mobility, and thermodynamic stability) indicates that this missense variant is not expected to disrupt FLNB protein function with a negative predictive value of 95%. In summary, the available evidence is currently insufficient to determine the role of this variant in disease. Therefore, it has been classified as a Variant of Uncertain Significance.